The following is an entry in ClinVar:

ClinVar aggregate classification (germline): Uncertain significance (1 of 4 stars; one submission).

Allele frequency attached by ClinVar (database versions not stated): ExAC 0.00004; gnomAD exomes 0.00006 and 0.00009; gnomAD 0.00007; TOPMed 0.00008; ESP Exome Variant Server 0.00023.
gnomAD v4.1: 154 of 1,600,946 alleles (0.0096%); highest among the groups gnomAD compares: Non-Finnish European, 0.011%; no homozygotes.

Submission:

Labcorp Genetics (formerly Invitae), Labcorp
Classification: Uncertain significance. Last evaluated: 2025-04-23. Review status: criteria provided, single submitter. Criteria: Invitae Variant Classification Sherloc (09022015). Collection method: clinical testing. Allele origin: germline.
Comment: This sequence change falls in intron 7 of the IFT57 gene. It does not directly change the encoded amino acid sequence of the IFT57 protein. This variant is present in population databases (rs375008981, gnomAD 0.01%). This variant has not been reported in the literature in individuals affected with IFT57-related conditions. ClinVar contains an entry for this variant (Variation ID: 1516005). Algorithms developed to predict the effect of sequence changes on RNA splicing suggest that this variant may disrupt the consensus splice site. In summary, the available evidence is currently insufficient to determine the role of this variant in disease. Therefore, it has been classified as a Variant of Uncertain Significance.

NM_018010.4(IFT57):c.850-19A>G

Gene: IFT57 (intraflagellar transport 57; minus strand). Cytogenetic location: 3q13.12.
Variant type: single nucleotide variant.
Coding change: c.850-19A>G on transcript NM_018010.4 (MANE Select); 19 bases into the intron before coding-DNA position 850, A replaced by G.
Molecular consequence: intron variant.
Genome position (GRCh38, 1-based): chr3:108,167,004, T>C on the plus strand (A>G on the coding strand, the complement: IFT57 is on the minus strand). VCF-style: chr3-108167004-T-C. GRCh37 (hg19) VCF-style: chr3-107885851-T-C.
Identifiers: ClinVar variation 1516005 (VCV001516005.6), dbSNP rs375008981, ClinGen allele CA2526538.